The following is an entry in ClinVar:

NM_005982.4(SIX1):c.241C>T (p.Pro81Ser)

Gene: SIX1 (SIX homeobox 1; minus strand). Cytogenetic location: 14q23.1.
Variant type: single nucleotide variant.
Coding change: c.241C>T on transcript NM_005982.4 (MANE Select); coding-DNA position 241, C replaced by T.
Protein change: p.Pro81Ser; replaces proline 81 with serine.
Molecular consequence: missense variant.
Genome position (GRCh38, 1-based): chr14:60,648,949, G>A on the plus strand (C>T on the coding strand, the complement: SIX1 is on the minus strand). VCF-style: chr14-60648949-G-A. GRCh37 (hg19) VCF-style: chr14-61115667-G-A.
Other names: c.241C>T, p.Pro81Ser (NM_001425142.1); short protein forms P81S.
Identifiers: ClinVar variation 3761942 (VCV003761942.2).

ClinVar aggregate classification (germline): Uncertain significance (1 of 4 stars; one submission).

Conditions:
Autosomal dominant nonsyndromic hearing loss 23. Identifiers: Orphanet 90635, MedGen C1854594, MONDO:0011519, OMIM 605192.
Branchiootic syndrome 3 (BOS3). Also called: BO SYNDROME 3. Identifiers: MedGen C1842124, MONDO:0012025, OMIM 608389.

Submission:

Labcorp Genetics (formerly Invitae), Labcorp
Classification: Uncertain significance for Autosomal dominant nonsyndromic hearing loss 23; Branchiootic syndrome 3. Last evaluated: 2024-07-31. Review status: criteria provided, single submitter. Criteria: Invitae Variant Classification Sherloc (09022015). Collection method: clinical testing. Allele origin: germline.
Comment: This sequence change replaces proline, which is neutral and non-polar, with serine, which is neutral and polar, at codon 81 of the SIX1 protein (p.Pro81Ser). This variant is present in population databases (rs759405851, gnomAD 0.002%). This variant has not been reported in the literature in individuals affected with SIX1-related conditions. Advanced modeling of protein sequence and biophysical properties (such as structural, functional, and spatial information, amino acid conservation, physicochemical variation, residue mobility, and thermodynamic stability) performed at Invitae indicates that this missense variant is not expected to disrupt SIX1 protein function with a negative predictive value of 80%. In summary, the available evidence is currently insufficient to determine the role of this variant in disease. Therefore, it has been classified as a Variant of Uncertain Significance.